The following is an entry in ClinVar:

ClinVar aggregate classification (germline): Uncertain significance. Review status: criteria provided, multiple submitters, no conflicts (2 of 4 stars). 2 submissions from 2 submitters: Uncertain significance (2). Last evaluated 2024-08-23.

Conditions:
Cardiovascular phenotype. Identifiers: MedGen CN230736.
Brugada syndrome. Also called: Sudden unexpected nocturnal death syndrome; Sudden Unexplained Death Syndrome; Sudden Unexplained Nocturnal Death Syndrome (SUNDS); Sudden unexplained nocturnal death syndrome. Identifiers: Orphanet 130, MedGen C1142166, MONDO:0015263.

Allele frequency attached by ClinVar (database versions not stated): ExAC 0.00001; gnomAD exomes 0.00001; TOPMed 0.00004.
gnomAD v4.1: 15 of 1,614,070 alleles (0.00093%); highest among the groups gnomAD compares: Non-Finnish European, 0.0013%; no homozygotes.

Submissions (2):

Ambry Genetics
Classification: Uncertain significance for Cardiovascular phenotype. Last evaluated: 2024-08-23. Review status: criteria provided, single submitter. Criteria: Ambry Variant Classification Scheme 2023. Collection method: clinical testing. Allele origin: germline.
Comment: The p.I1231L variant (also known as c.3691A>T), located in coding exon 21 of the SCN10A gene, results from an A to T substitution at nucleotide position 3691. The isoleucine at codon 1231 is replaced by leucine, an amino acid with highly similar properties. This amino acid position is poorly conserved in available vertebrate species. In addition, the in silico prediction for this alteration is inconclusive. Since supporting evidence is limited at this time, the clinical significance of this alteration remains unclear.

Labcorp Genetics (formerly Invitae), Labcorp
Classification: Uncertain significance for Brugada syndrome. Last evaluated: 2022-10-17. Review status: criteria provided, single submitter. Criteria: Invitae Variant Classification Sherloc (09022015). Collection method: clinical testing. Allele origin: germline.
Comment: In summary, the available evidence is currently insufficient to determine the role of this variant in disease. Therefore, it has been classified as a Variant of Uncertain Significance. Advanced modeling of protein sequence and biophysical properties (such as structural, functional, and spatial information, amino acid conservation, physicochemical variation, residue mobility, and thermodynamic stability) performed at Invitae indicates that this missense variant is not expected to disrupt SCN10A protein function. ClinVar contains an entry for this variant (Variation ID: 581393). This variant has not been reported in the literature in individuals affected with SCN10A-related conditions. This variant is present in population databases (rs775185585, gnomAD 0.002%). This sequence change replaces isoleucine, which is neutral and non-polar, with leucine, which is neutral and non-polar, at codon 1231 of the SCN10A protein (p.Ile1231Leu).

NM_006514.4(SCN10A):c.3691A>T (p.Ile1231Leu)

Gene: SCN10A (sodium voltage-gated channel alpha subunit 10; minus strand). Cytogenetic location: 3p22.2.
Variant type: single nucleotide variant.
Coding change: c.3691A>T on transcript NM_006514.4 (MANE Select); coding-DNA position 3691, A replaced by T.
Protein change: p.Ile1231Leu; replaces isoleucine 1231 with leucine.
Molecular consequence: missense variant.
Genome position (GRCh38, 1-based): chr3:38,714,071, T>A on the plus strand (A>T on the coding strand, the complement: SCN10A is on the minus strand). VCF-style: chr3-38714071-T-A. GRCh37 (hg19) VCF-style: chr3-38755562-T-A.
Other names: c.3688A>T, p.Ile1230Leu (NM_001293306.2); c.3397A>T, p.Ile1133Leu (NM_001293307.2); short protein forms I1231L, I1230L, I1133L.
Identifiers: ClinVar variation 581393 (VCV000581393.8), dbSNP rs775185585, ClinGen allele CA2320150.